The following is an entry in ClinVar:

ClinVar aggregate classification (germline): Uncertain significance. Review status: criteria provided, multiple submitters, no conflicts (2 of 4 stars). 5 submissions from 5 submitters: Uncertain significance (5). Last evaluated 2025-09-13.

Conditions:
Wolfram-like syndrome. Also called: HEARING LOSS, PROGRESSIVE, WITH OPTIC ATROPHY AND/OR IMPAIRED GLUCOSE REGULATION. Identifiers: Orphanet 411590, MedGen C3280358, MONDO:0013673, OMIM 614296.
Cataract 41 (CTRCT41). Also called: CATARACT 41, CONGENITAL NUCLEAR TYPE. Identifiers: Orphanet 91492, Orphanet 98991, Orphanet 98992, Orphanet 98995, MedGen C3805412, MONDO:0007287, OMIM 116400.
Autosomal dominant nonsyndromic hearing loss 6 (LFSNHL). Also called: DEAFNESS, AUTOSOMAL DOMINANT 6; DEAFNESS, AUTOSOMAL DOMINANT 14; DEAFNESS, AUTOSOMAL DOMINANT 38; Autosomal dominant nonsyndromic deafness 6. Identifiers: Orphanet 90635, MedGen C1833021, MONDO:0010963, OMIM 600965.
Type 2 diabetes mellitus. Also called: Type II diabetes mellitus. Identifiers: MedGen C0011860, MeSH D003924, MONDO:0005148, OMIM 125853, HP:0005978.
Wolfram syndrome 1 (WFS1). Identifiers: Orphanet 3463, MedGen C4551693, MONDO:0009101, OMIM 222300.
WFS1-related disorder. Identifiers: MedGen CN379391, MONDO:0700293.

Allele frequency attached by ClinVar (database versions not stated): ExAC 0.00002; gnomAD exomes 0.00002; gnomAD 0.00003; TOPMed 0.00003.
gnomAD v4.1: 39 of 1,612,460 alleles (0.0024%); highest among the groups gnomAD compares: Non-Finnish European, 0.003%; no homozygotes.

Submissions (5):

Labcorp Genetics (formerly Invitae), Labcorp
Classification: Uncertain significance. Last evaluated: 2025-09-13. Review status: criteria provided, single submitter. Criteria: Invitae Variant Classification Sherloc (09022015). Collection method: clinical testing. Allele origin: germline.
Comment: This sequence change replaces leucine, which is neutral and non-polar, with proline, which is neutral and non-polar, at codon 549 of the WFS1 protein (p.Leu549Pro). This variant is present in population databases (rs550411492, gnomAD 0.007%). This variant has not been reported in the literature in individuals affected with WFS1-related conditions. ClinVar contains an entry for this variant (Variation ID: 2050240). Invitae Evidence Modeling of protein sequence and biophysical properties (such as structural, functional, and spatial information, amino acid conservation, physicochemical variation, residue mobility, and thermodynamic stability) indicates that this missense variant is not expected to disrupt WFS1 protein function with a negative predictive value of 95%. In summary, the available evidence is currently insufficient to determine the role of this variant in disease. Therefore, it has been classified as a Variant of Uncertain Significance.

ARUP Laboratories, Molecular Genetics and Genomics, ARUP Laboratories
Classification: Uncertain significance. Last evaluated: 2025-07-25. Review status: criteria provided, single submitter. Criteria: ARUP Molecular Germline Variant Investigation Process 2024. Collection method: clinical testing. Allele origin: germline.
Comment: The WFS1 c.1646T>C; p.Leu549Pro variant (rs550411492), to our knowledge, is not reported in the medical literature but is reported in ClinVar (Variation ID: 2050240). This variant is found in the general population with an overall allele frequency of 0.001% (3/250,472 alleles) in the Genome Aggregation Database (v2.1.1). Computational analyses are uncertain whether this variant is neutral or deleterious (REVEL: 0.543). Due to limited information, the clinical significance of this variant is uncertain at this time.

PreventionGenetics, part of Exact Sciences
Classification: Uncertain significance for WFS1-related condition. Last evaluated: 2024-11-14. Review status: criteria provided, single submitter. Criteria: ACMG Guidelines, 2015. Collection method: clinical testing. Allele origin: germline.
Comment: The WFS1 c.1646T>C variant is predicted to result in the amino acid substitution p.Leu549Pro. To our knowledge, this variant has not been reported in the literature. This variant is reported in 0.0062% of alleles in individuals of African descent in gnomAD. At this time, the clinical significance of this variant is uncertain due to the absence of conclusive functional and genetic evidence.

Fulgent Genetics
Classification: Uncertain significance for Cataract 41; Type 2 diabetes mellitus; Wolfram syndrome 1; Autosomal dominant nonsyndromic hearing loss 6; Wolfram-like syndrome. Last evaluated: 2024-05-10. Review status: criteria provided, single submitter. Criteria: ACMG Guidelines, 2015. Collection method: clinical testing. Allele origin: germline.

Blueprint Genetics
Classification: Uncertain significance. Last evaluated: 2022-04-26. Review status: criteria provided, single submitter. Criteria: ACMG Guidelines, 2015. Collection method: clinical testing. Allele origin: germline.

NM_006005.3(WFS1):c.1646T>C (p.Leu549Pro)

Gene: WFS1 (wolframin ER transmembrane glycoprotein; plus strand). Cytogenetic location: 4p16.1.
Variant type: single nucleotide variant.
Coding change: c.1646T>C on transcript NM_006005.3 (MANE Select); coding-DNA position 1646, T replaced by C.
Protein change: p.Leu549Pro; replaces leucine 549 with proline.
Molecular consequence: missense variant.
Genome position (GRCh38, 1-based): chr4:6,301,441, T>C. VCF-style: chr4-6301441-T-C. GRCh37 (hg19) VCF-style: chr4-6303168-T-C.
Other names: c.1646T>C, p.Leu549Pro (NM_001145853.1); short protein forms L549P.
Identifiers: ClinVar variation 2050240 (VCV002050240.8), dbSNP rs550411492, ClinGen allele CA2839428.